The following is an entry in ClinVar:

NM_020458.4(TTC7A):c.2460C>T (p.Gly820=)

Gene: TTC7A (tetratricopeptide repeat domain 7A; plus strand). Cytogenetic location: 2p21.
Variant type: single nucleotide variant.
Coding change: c.2460C>T on transcript NM_020458.4 (MANE Select); coding-DNA position 2460, C replaced by T.
Protein change: p.Gly820=; no amino-acid change (glycine 820 retained).
Molecular consequence: synonymous variant.
Genome position (GRCh38, 1-based): chr2:47,073,806, C>T. VCF-style: chr2-47073806-C-T. GRCh37 (hg19) VCF-style: chr2-47300945-C-T.
Other names: c.2532C>T, p.Gly844= (NM_001288951.2); c.2358C>T, p.Gly786= (NM_001288953.2); c.1398C>T, p.Gly466= (NM_001288955.2); c.2460C>T, p.Gly820= (LRG_1323t1).
Identifiers: ClinVar variation 458797 (VCV000458797.53), dbSNP rs58422168, ClinGen allele CA1648170.

ClinVar aggregate classification (germline): Benign/Likely benign. Review status: criteria provided, multiple submitters, no conflicts (2 of 4 stars). 4 submissions from 4 submitters: Benign (1); Likely benign (2). 1 of the submissions does not count toward it. Last evaluated 2026-08-01.

Conditions:
TTC7A-related disorder. Also called: TTC7A-related condition.
Multiple gastrointestinal atresias. Also called: FAMILIAL INTESTINAL POLYATRESIA SYNDROME; Multiple intestinal atresia. Identifiers: Orphanet 2300, MedGen C0220744, MONDO:0009465.

Allele frequency attached by ClinVar (database versions not stated): 1000 Genomes Project 30x 0.00047; 1000 Genomes Project 0.00060; ESP Exome Variant Server 0.00154; TOPMed 0.00193; ExAC 0.00220; gnomAD exomes 0.00227 and 0.00355; gnomAD 0.00260 and 0.00272.
gnomAD v4.1: 5,475 of 1,613,614 alleles (0.34%); highest among the groups gnomAD compares: Non-Finnish European, 0.42%; 19 homozygotes.

Submissions (4):

CeGaT Center for Human Genetics Tuebingen
Classification: Likely benign. Last evaluated: 2026-08-01. Review status: criteria provided, single submitter. Criteria: CeGaT Center For Human Genetics Tuebingen Variant Classification Criteria Version 2. Collection method: clinical testing. Allele origin: germline. Affected: yes. Observed: 9 variant alleles.
Comment: TTC7A: BP4, BP7, BS2

Labcorp Genetics (formerly Invitae), Labcorp
Classification: Benign for Multiple gastrointestinal atresias. Last evaluated: 2026-02-03. Review status: criteria provided, single submitter. Criteria: Invitae Variant Classification Sherloc (09022015). Collection method: clinical testing. Allele origin: germline.

Breakthrough Genomics
Classification: Likely benign. Review status: criteria provided, single submitter. Criteria: ACMG Guidelines, 2015. Collection method: not provided. Allele origin: germline. Inheritance: Autosomal recessive inheritance. Affected: yes.

PreventionGenetics, part of Exact Sciences
Classification: Likely benign for TTC7A-related condition. Last evaluated: 2020-03-03. Review status: no assertion criteria provided. Collection method: clinical testing. Allele origin: germline. Not counted in ClinVar's aggregate classification.
Comment: This variant is classified as likely benign based on ACMG/AMP sequence variant interpretation guidelines (Richards et al. 2015 PMID: 25741868, with internal and published modifications).